The following is an entry in ClinVar:

ClinVar aggregate classification (germline): Uncertain significance (1 of 4 stars; one submission).

Allele frequency attached by ClinVar (database versions not stated): ExAC 0.00001; gnomAD 0.00001; TOPMed 0.00001.
gnomAD v4.1: 6 of 1,613,704 alleles (0.00037%); highest among the groups gnomAD compares: Admixed American, 0.0083%; no homozygotes.

Submission:

Ambry Genetics
Classification: Uncertain significance. Last evaluated: 2020-02-11. Review status: criteria provided, single submitter. Criteria: Ambry Variant Classification Scheme 2023. Collection method: clinical testing. Allele origin: germline.
Comment: The p.T1013I variant (also known as c.3038C>T), located in coding exon 18 of the FBXO38 gene, results from a C to T substitution at nucleotide position 3038. The threonine at codon 1013 is replaced by isoleucine, an amino acid with similar properties. This amino acid position is not well conserved in available vertebrate species. In addition, this alteration is predicted to be tolerated by in silico analysis. Since supporting evidence is limited at this time, the clinical significance of this alteration remains unclear.

NM_205836.3(FBXO38):c.3038C>T (p.Thr1013Ile)

Gene: FBXO38 (F-box protein 38; plus strand). Cytogenetic location: 5q32.
Variant type: single nucleotide variant.
Coding change: c.3038C>T on transcript NM_205836.3 (MANE Select); coding-DNA position 3038, C replaced by T.
Protein change: p.Thr1013Ile; replaces threonine 1013 with isoleucine.
Molecular consequence: missense variant.
Genome position (GRCh38, 1-based): chr5:148,439,660, C>T. VCF-style: chr5-148439660-C-T. GRCh37 (hg19) VCF-style: chr5-147819223-C-T.
Other names: c.2303C>T, p.Thr768Ile (NM_001271723.2); c.2813C>T, p.Thr938Ile (NM_030793.5); short protein forms T938I, T768I, T1013I.
Identifiers: ClinVar variation 1799103 (VCV001799103.2), dbSNP rs761869884, ClinGen allele CA3497661.